The following is an entry in ClinVar:

NM_001291415.2(KDM6A):c.610A>G (p.Asn204Asp)

Gene: KDM6A (lysine demethylase 6A; plus strand). Cytogenetic location: Xp11.3.
Variant type: single nucleotide variant.
Coding change: c.610A>G on transcript NM_001291415.2 (MANE Select); coding-DNA position 610, A replaced by G.
Protein change: p.Asn204Asp; replaces asparagine 204 with aspartic acid.
Molecular consequence: missense variant. On other transcripts: 5 prime UTR variant (1), non-coding transcript variant (1).
Genome position (GRCh38, 1-based): chrX:45,034,976, A>G. VCF-style: chrX-45034976-A-G. GRCh37 (hg19) VCF-style: chrX-44894221-A-G.
Other names: c.610A>G, p.Asn204Asp (NM_001291416.2, NM_001291417.2, NM_001291418.2 and 9 more transcripts); c.-144A>G (NM_001291421.2); short protein forms N204D.
Identifiers: ClinVar variation 2812804 (VCV002812804.3), dbSNP rs2522215898, ClinGen allele CA412773438.

ClinVar aggregate classification (germline): Uncertain significance (1 of 4 stars; one submission).

Conditions:
Kabuki syndrome 2 (KABUK2). Also called: KDM6A-Related Kabuki Syndrome. Identifiers: Orphanet 2322, MedGen C3275495, MONDO:0010465, OMIM 300867.

Allele frequency attached by ClinVar (database versions not stated): gnomAD exomes below 0.00001.
gnomAD v4.1: 1 of 1,193,900 alleles (0.000084%); highest among the groups gnomAD compares: Non-Finnish European, 0.00011%; no homozygotes.

Submission:

Labcorp Genetics (formerly Invitae), Labcorp
Classification: Uncertain significance for Kabuki syndrome 2. Last evaluated: 2022-11-14. Review status: criteria provided, single submitter. Criteria: Invitae Variant Classification Sherloc (09022015). Collection method: clinical testing. Allele origin: germline.
Comment: This sequence change replaces asparagine, which is neutral and polar, with aspartic acid, which is acidic and polar, at codon 204 of the KDM6A protein (p.Asn204Asp). This variant is not present in population databases (gnomAD no frequency). This variant has not been reported in the literature in individuals affected with KDM6A-related conditions. Advanced modeling of protein sequence and biophysical properties (such as structural, functional, and spatial information, amino acid conservation, physicochemical variation, residue mobility, and thermodynamic stability) performed at Invitae indicates that this missense variant is not expected to disrupt KDM6A protein function. In summary, the available evidence is currently insufficient to determine the role of this variant in disease. Therefore, it has been classified as a Variant of Uncertain Significance.